The following is an entry in ClinVar:

ClinVar aggregate classification (germline): Uncertain significance (1 of 4 stars; one submission).

Conditions:
PDE1C-related disorder. Also called: PDE1C-related condition.

Submission:

PreventionGenetics, part of Exact Sciences
Classification: Uncertain significance for PDE1C-related condition. Last evaluated: 2026-01-28. Review status: criteria provided, single submitter. Criteria: ACMG Guidelines, 2015. Collection method: clinical testing. Allele origin: germline.
Comment: The PDE1C c.193C>T variant is predicted to result in the amino acid substitution p.Pro65Ser. This variant is pre-coding in an alternative transcript NM_001191058:c.-129204C>T. To our knowledge, this variant has not been reported in the literature or in a large population database (gnomAD), indicating this variant is rare. At this time, the clinical significance of this variant is uncertain due to the absence of conclusive functional and genetic evidence.

NM_001322059.2(PDE1C):c.193C>T (p.Pro65Ser)

Gene: PDE1C (phosphodiesterase 1C; minus strand). Cytogenetic location: 7p14.3.
Variant type: single nucleotide variant.
Coding change: c.193C>T on transcript NM_001322059.2; coding-DNA position 193, C replaced by T.
Protein change: p.Pro65Ser; replaces proline 65 with serine.
Molecular consequence: missense variant.
Genome position (GRCh38, 1-based): chr7:32,427,939, G>A on the plus strand (C>T on the coding strand, the complement: PDE1C is on the minus strand). VCF-style: chr7-32427939-G-A. GRCh37 (hg19) VCF-style: chr7-32467551-G-A.
Other names: short protein forms P65S.
Identifiers: ClinVar variation 4988186 (VCV004988186.1).
Genomic context (GRCh38, chr7:32,427,939, plus strand): 5'-GCACCGGGGACAGCTCCTGCCTCGCCAACTTCGGCAGCTCTTCTCGATGTCTCGCCGCGG[G>A]CTGTGCCTCACAGGCTACGGGAGGGGAGAGTGTCTCCCCACGCCGGGGTCCCGGCCTCTG-3'